The following is an entry in ClinVar:

NM_002618.4(PEX13):c.576C>T (p.Tyr192=)

Gene: PEX13 (peroxisomal biogenesis factor 13; plus strand). Cytogenetic location: 2p15.
Variant type: single nucleotide variant.
Coding change: c.576C>T on transcript NM_002618.4 (MANE Select); coding-DNA position 576, C replaced by T.
Protein change: p.Tyr192=; no amino-acid change (tyrosine 192 retained).
Molecular consequence: synonymous variant.
Genome position (GRCh38, 1-based): chr2:61,031,902, C>T. VCF-style: chr2-61031902-C-T. GRCh37 (hg19) VCF-style: chr2-61259037-C-T.
Other names: c.576C>T (NM_002618.3).
Identifiers: ClinVar variation 3663340 (VCV003663340.3).

ClinVar aggregate classification (germline): Likely benign. Review status: criteria provided, multiple submitters, no conflicts (2 of 4 stars). 2 submissions from 2 submitters: Likely benign (2). Last evaluated 2026-04-21.

Conditions:
PEX13-related disorder. Also called: PEX13-related condition; PEX13-related disorders.
Peroxisome biogenesis disorder 11A (Zellweger). Also called: Peroxisome biogenesis disorder 11A. Identifiers: Orphanet 912, MedGen C3554000, MONDO:0013949, OMIM 614883.

gnomAD v4.1: 1 of 1,613,896 alleles (0.000062%); highest among the groups gnomAD compares: Non-Finnish European, 0.000085%; no homozygotes.

Submissions (2):

PreventionGenetics, part of Exact Sciences
Classification: Likely benign for PEX13-related condition. Last evaluated: 2026-04-21. Review status: criteria provided, single submitter. Criteria: ACMG Guidelines, 2015. Collection method: clinical testing. Allele origin: germline.
Comment: This variant is classified as likely benign based on ACMG/AMP sequence variant interpretation guidelines (Richards et al. 2015 PMID: 25741868, with internal and published modifications).

Labcorp Genetics (formerly Invitae), Labcorp
Classification: Likely benign for Peroxisome biogenesis disorder 11A (Zellweger). Last evaluated: 2024-08-31. Review status: criteria provided, single submitter. Criteria: Invitae Variant Classification Sherloc (09022015). Collection method: clinical testing. Allele origin: germline.